The following is an entry in ClinVar:

ClinVar aggregate classification (germline): Uncertain significance (1 of 4 stars; one submission).

Submission:

Greenwood Genetic Center Diagnostic Laboratories, Greenwood Genetic Center
Classification: Uncertain significance. Last evaluated: 2025-02-24. Review status: criteria provided, single submitter. Criteria: ACMG Guidelines, 2015. Collection method: clinical testing. Allele origin: germline.
Comment: PM2, BP4

NM_020754.4(ARHGAP31):c.2460C>G (p.Asp820Glu)

Gene: ARHGAP31 (Rho GTPase activating protein 31; plus strand). Cytogenetic location: 3q13.33.
Variant type: single nucleotide variant.
Coding change: c.2460C>G on transcript NM_020754.4 (MANE Select); coding-DNA position 2460, C replaced by G.
Protein change: p.Asp820Glu; replaces aspartic acid 820 with glutamic acid.
Molecular consequence: missense variant.
Genome position (GRCh38, 1-based): chr3:119,414,389, C>G. VCF-style: chr3-119414389-C-G. GRCh37 (hg19) VCF-style: chr3-119133236-C-G.
Other names: short protein forms D820E.
Identifiers: ClinVar variation 4851686 (VCV004851686.1).